The following is an entry in ClinVar:

ClinVar aggregate classification (germline): Uncertain significance (1 of 4 stars; one submission).

Conditions:
Alstrom syndrome (ALMS). Identifiers: Orphanet 64, MedGen C0268425, MONDO:0008763, OMIM 203800.

Submission:

Labcorp Genetics (formerly Invitae), Labcorp
Classification: Uncertain significance for Alstrom syndrome. Last evaluated: 2022-07-06. Review status: criteria provided, single submitter. Criteria: Invitae Variant Classification Sherloc (09022015). Collection method: clinical testing. Allele origin: germline.
Comment: This sequence change replaces glycine with serine at codon 3273 of the ALMS1 protein (p.Gly3273Ser). The glycine residue is highly conserved and there is a small physicochemical difference between glycine and serine. This variant is not present in population databases (gnomAD no frequency). This variant has not been reported in the literature in individuals affected with ALMS1-related conditions. ClinVar contains an entry for this variant (Variation ID: 1414746). Experimental studies and prediction algorithms are not available or were not evaluated, and the functional significance of this variant is currently unknown. In summary, the available evidence is currently insufficient to determine the role of this variant in disease. Therefore, it has been classified as a Variant of Uncertain Significance.

NM_001378454.1(ALMS1):c.9814G>A (p.Gly3272Ser)

Gene: ALMS1 (ALMS1 centrosome and basal body associated protein; plus strand). Cytogenetic location: 2p13.1.
Variant type: single nucleotide variant.
Coding change: c.9814G>A on transcript NM_001378454.1 (MANE Select); coding-DNA position 9814, G replaced by A.
Protein change: p.Gly3272Ser; replaces glycine 3272 with serine.
Molecular consequence: missense variant.
Genome position (GRCh38, 1-based): chr2:73,534,856, G>A. VCF-style: chr2-73534856-G-A. GRCh37 (hg19) VCF-style: chr2-73761983-G-A.
Other names: c.9817G>A, p.Gly3273Ser (NM_015120.4); short protein forms G3272S, G3273S.
Identifiers: ClinVar variation 1414746 (VCV001414746.6), dbSNP rs1673993273, ClinGen allele CA347263612.